The following is an entry in ClinVar:

NM_182925.5(FLT4):c.3821A>T (p.Asp1274Val)

Gene: FLT4 (fms related receptor tyrosine kinase 4; minus strand). Cytogenetic location: 5q35.3.
Variant type: single nucleotide variant.
Coding change: c.3821A>T on transcript NM_182925.5 (MANE Select); coding-DNA position 3821, A replaced by T.
Protein change: p.Asp1274Val; replaces aspartic acid 1274 with valine.
Molecular consequence: missense variant.
Genome position (GRCh38, 1-based): chr5:180,609,040, T>A on the plus strand (A>T on the coding strand, the complement: FLT4 is on the minus strand). VCF-style: chr5-180609040-T-A. GRCh37 (hg19) VCF-style: chr5-180036040-T-A.
Other names: c.3821A>T, p.Asp1274Val (NM_001354989.2, NM_002020.5); short protein forms D1274V.
Identifiers: ClinVar variation 1030389 (VCV001030389.1), dbSNP rs1761973773, ClinGen allele CA362497824.

ClinVar aggregate classification (germline): Likely pathogenic (1 of 4 stars; one submission).

Conditions:
Hereditary lymphedema type I (LMPHM1). Also called: LYMPHATIC MALFORMATION 1; Milroy Disease; Nonne-Milroy disease; Congenital hereditary lymphedema; Early onset lymphedema; Hereditary lymphedema 1. Identifiers: Orphanet 79452, MedGen C1704423, MONDO:0007919, OMIM 153100.

Submission:

Baylor Genetics
Classification: Likely pathogenic for Hereditary lymphedema type I. Last evaluated: 2019-10-19. Review status: criteria provided, single submitter. Criteria: ACMG Guidelines, 2015. Collection method: clinical testing. Allele origin: de novo. Affected: yes.
Comment: This variant was determined to be likely pathogenic according to ACMG Guidelines, 2015 [PMID:25741868].